The following is an entry in ClinVar:

ClinVar aggregate classification (germline): Likely pathogenic. Review status: criteria provided, multiple submitters, no conflicts (2 of 4 stars). 4 submissions from 4 submitters: Likely pathogenic (2). 2 of the submissions do not count toward it. Last evaluated 2024-03-12.

Conditions:
IYD-related disorder. Also called: IYD-related condition.
Type 2 diabetes mellitus. Also called: Type II diabetes mellitus. Identifiers: MedGen C0011860, MeSH D003924, MONDO:0005148, OMIM 125853, HP:0005978.
Iodotyrosine deiodination defect (TDH4). Also called: HYPOTHYROIDISM, CONGENITAL, DUE TO DYSHORMONOGENESIS, 4; IODOTYROSINE DEHALOGENASE DEFICIENCY; Thyroid dyshormonogenesis 4; DEIODINASE DEFICIENCY; THYROID HORMONOGENESIS, GENETIC DEFECT IN, 4. Identifiers: Orphanet 95716, MedGen C0342195, MONDO:0010136, OMIM 274800.

Allele frequency attached by ClinVar (database versions not stated): ExAC 0.00006; TOPMed 0.00013; 1000 Genomes Project 30x 0.00031; gnomAD exomes 0.00004 and 0.00005; gnomAD 0.00004; 1000 Genomes Project 0.00040.
gnomAD v4.1: 70 of 1,613,752 alleles (0.0043%); highest among the groups gnomAD compares: Admixed American, 0.027%; 1 homozygote.

Submissions (4):

Fulgent Genetics
Classification: Likely pathogenic for Iodotyrosine deiodination defect. Last evaluated: 2024-03-12. Review status: criteria provided, single submitter. Criteria: ACMG Guidelines, 2015. Collection method: clinical testing. Allele origin: germline.

PreventionGenetics, part of Exact Sciences
Classification: Likely pathogenic for IYD-related condition. Last evaluated: 2023-03-02. Review status: criteria provided, single submitter. Criteria: ACMG Guidelines, 2015. Collection method: clinical testing. Allele origin: germline.
Comment: The IYD c.301C>T variant is predicted to result in the amino acid substitution p.Arg101Trp. This variant was reported in an individual with hypothyroidism, and functional studies support its pathogenicity (Moreno et al 2008. PubMed ID: 18434651). This variant is reported in 0.013% of alleles in individuals of South Asian descent in gnomAD. This variant is interpreted as likely pathogenic.

Gene Friend Way, National Innovation Center
Classification: Likely pathogenic for Type 2 diabetes mellitus. Last evaluated: 2025-01-01. Review status: no assertion criteria provided. Collection method: clinical testing. Allele origin: unknown. Affected: yes. Observed: 1 variant allele. Not counted in ClinVar's aggregate classification.
Comment: This missense variant is predicted to result in the amino acid substitution p.Arg101Trp. IYD’s function in thyroid hormone homeostasis, regulating thermogenesis and body weight has been demonstrated in animal models (PMID: 35887180).

OMIM
Classification: Pathogenic for THYROID DYSHORMONOGENESIS 4. Last evaluated: 2008-04-24. Review status: no assertion criteria provided. Collection method: literature only. Allele origin: germline. Not counted in ClinVar's aggregate classification.

Literature cited by the submitters: PubMed 35887180 (cited by Gene Friend Way, National Innovation Center); PubMed 18434651 (cited by OMIM).

NM_203395.3(IYD):c.301C>T (p.Arg101Trp)

Gene: IYD (iodotyrosine deiodinase; plus strand). Cytogenetic location: 6q25.1.
Variant type: single nucleotide variant.
Coding change: c.301C>T on transcript NM_203395.3 (MANE Select); coding-DNA position 301, C replaced by T.
Protein change: p.Arg101Trp; replaces arginine 101 with tryptophan.
Molecular consequence: missense variant. On other transcripts: synonymous variant (1), non-coding transcript variant (1).
Genome position (GRCh38, 1-based): chr6:150,389,474, C>T. VCF-style: chr6-150389474-C-T. GRCh37 (hg19) VCF-style: chr6-150710610-C-T.
Other names: c.301C>T, p.Arg101Trp (NM_001164694.2, NM_001164695.2); c.123C>T, p.Asp41= (NM_001318495.2); c.301C>T (NM_001164694.1); short protein forms R101W.
Identifiers: ClinVar variation 737 (VCV000000737.5), dbSNP rs121918138, ClinGen allele CA114465.